The following is an entry in ClinVar:

NM_002439.5(MSH3):c.2689C>G (p.Pro897Ala)

Gene: MSH3 (mutS homolog 3; plus strand). Cytogenetic location: 5q14.1.
Variant type: single nucleotide variant.
Coding change: c.2689C>G on transcript NM_002439.5 (MANE Select); coding-DNA position 2689, C replaced by G.
Protein change: p.Pro897Ala; replaces proline 897 with alanine.
Molecular consequence: missense variant.
Genome position (GRCh38, 1-based): chr5:80,813,617, C>G. VCF-style: chr5-80813617-C-G. GRCh37 (hg19) VCF-style: chr5-80109436-C-G.
Other names: short protein forms P897A.
Identifiers: ClinVar variation 2105739 (VCV002105739.4), dbSNP rs2546797304, ClinGen allele CA360273871.

ClinVar aggregate classification (germline): Uncertain significance (1 of 4 stars; one submission).

Submission:

Labcorp Genetics (formerly Invitae), Labcorp
Classification: Uncertain significance. Last evaluated: 2022-06-10. Review status: criteria provided, single submitter. Criteria: Invitae Variant Classification Sherloc (09022015). Collection method: clinical testing. Allele origin: germline.
Comment: This sequence change replaces proline, which is neutral and non-polar, with alanine, which is neutral and non-polar, at codon 897 of the MSH3 protein (p.Pro897Ala). This variant is not present in population databases (gnomAD no frequency). In summary, the available evidence is currently insufficient to determine the role of this variant in disease. Therefore, it has been classified as a Variant of Uncertain Significance. Algorithms developed to predict the effect of missense changes on protein structure and function are either unavailable or do not agree on the potential impact of this missense change (SIFT: "Deleterious"; PolyPhen-2: "Probably Damaging"; Align-GVGD: "Class C0"). This variant has not been reported in the literature in individuals affected with MSH3-related conditions.